The following is an entry in ClinVar:

ClinVar aggregate classification (germline): Uncertain significance (1 of 4 stars; one submission).

Submission:

CeGaT Center for Human Genetics Tuebingen
Classification: Uncertain significance. Last evaluated: 2022-05-01. Review status: criteria provided, single submitter. Criteria: CeGaT Center For Human Genetics Tuebingen Variant Classification Criteria Version 2. Collection method: clinical testing. Allele origin: germline. Affected: yes. Observed: 2 variant alleles.
Comment: ANK2: PM2, PP3

NM_001148.6(ANK2):c.3900G>T (p.Trp1300Cys)

Gene: ANK2 (ankyrin 2; plus strand). Cytogenetic location: 4q26.
Variant type: single nucleotide variant.
Coding change: c.3900G>T on transcript NM_001148.6 (MANE Select); coding-DNA position 3900, G replaced by T.
Protein change: p.Trp1300Cys; replaces tryptophan 1300 with cysteine.
Molecular consequence: missense variant.
Genome position (GRCh38, 1-based): chr4:113,341,694, G>T. VCF-style: chr4-113341694-G-T. GRCh37 (hg19) VCF-style: chr4-114262850-G-T.
Other names: c.3714G>T, p.Trp1238Cys (NM_001386146.1, NM_001386149.1, NM_001386150.1 and 6 more transcripts); c.3759G>T, p.Trp1253Cys (NM_001386147.1, NM_001354261.2); c.3885G>T, p.Trp1295Cys (NM_001386148.2, NM_001386186.2); c.3615G>T, p.Trp1205Cys (NM_001386151.1, NM_001354260.2, NM_001354271.2); c.3957G>T, p.Trp1319Cys (NM_001386152.1); c.3699G>T, p.Trp1233Cys (NM_001386154.1, NM_001386142.1, NM_001354274.2); c.3639G>T, p.Trp1213Cys (NM_001386156.1, NM_001354257.2); c.3516G>T, p.Trp1172Cys (NM_001386157.1, NM_001354277.2); and 31 more; short protein forms W100C, W1139C, W1172C, W1200C, W1205C, W1213C, W1225C, W1229C.
Identifiers: ClinVar variation 1695105 (VCV001695105.31), dbSNP rs2153978939, ClinGen allele CA357908738.
Genomic context (GRCh38, chr4:113,341,694, plus strand): 5'-TTTTCACATGGTATACTTTGAACTTTAGATAACTGACTTTATTTATTTTAATAGGTTCTG[G>T]CTGATAGATTGTCGACAGATCCAGGAATCCGTTACTTTTGCATCACAAGTATACAGAGAA-3'
Protein context (NP_001139.3, residues 1290-1310): SFTTNVSARF[Trp1300Cys]LIDCRQIQES